The following is an entry in ClinVar:

NM_021927.3(GUF1):c.715A>G (p.Ile239Val)

Gene: GUF1 (GTP binding elongation factor GUF1; plus strand). Cytogenetic location: 4p12.
Variant type: single nucleotide variant.
Coding change: c.715A>G on transcript NM_021927.3 (MANE Select); coding-DNA position 715, A replaced by G.
Protein change: p.Ile239Val; replaces isoleucine 239 with valine.
Molecular consequence: missense variant. On other transcripts: 5 prime UTR variant (2).
Genome position (GRCh38, 1-based): chr4:44,686,004, A>G. VCF-style: chr4-44686004-A-G. GRCh37 (hg19) VCF-style: chr4-44688021-A-G.
Other names: c.-258A>G (NM_001345867.2, NM_001345869.2); c.715A>G, p.Ile239Val (NM_001345868.2); short protein forms I239V.
Identifiers: ClinVar variation 1378604 (VCV001378604.9), dbSNP rs7666143, ClinGen allele CA2905406.

ClinVar aggregate classification (germline): Conflicting classifications of pathogenicity. Review status: criteria provided, conflicting classifications (1 of 4 stars). 3 submissions from 3 submitters: Uncertain significance (2); Likely benign (1). Last evaluated 2024-11-13.

Allele frequency attached by ClinVar (database versions not stated): TOPMed 0.00003; gnomAD 0.00005.
gnomAD v4.1: 99 of 1,606,078 alleles (0.0062%); highest among the groups gnomAD compares: Non-Finnish European, 0.0074%; no homozygotes.

Submissions (3):

Blueprint Genetics
Classification: Likely benign. Last evaluated: 2024-11-13. Review status: criteria provided, single submitter. Criteria: ACMG Guidelines, 2015. Collection method: clinical testing. Allele origin: germline.

Labcorp Genetics (formerly Invitae), Labcorp
Classification: Uncertain significance. Last evaluated: 2024-04-22. Review status: criteria provided, single submitter. Criteria: Invitae Variant Classification Sherloc (09022015). Collection method: clinical testing. Allele origin: germline.
Comment: This sequence change replaces isoleucine, which is neutral and non-polar, with valine, which is neutral and non-polar, at codon 239 of the GUF1 protein (p.Ile239Val). This variant is present in population databases (rs7666143, gnomAD 0.008%). This variant has not been reported in the literature in individuals affected with GUF1-related conditions. ClinVar contains an entry for this variant (Variation ID: 1378604). Advanced modeling of protein sequence and biophysical properties (such as structural, functional, and spatial information, amino acid conservation, physicochemical variation, residue mobility, and thermodynamic stability) performed at Invitae indicates that this missense variant is not expected to disrupt GUF1 protein function with a negative predictive value of 80%. In summary, the available evidence is currently insufficient to determine the role of this variant in disease. Therefore, it has been classified as a Variant of Uncertain Significance.

Women's Health and Genetics/Laboratory Corporation of America, LabCorp
Classification: Uncertain significance. Last evaluated: 2023-10-27. Review status: criteria provided, single submitter. Criteria: LabCorp Variant Classification Summary - May 2015. Collection method: clinical testing. Allele origin: germline.
Comment: Variant summary: GUF1 c.715A>G (p.Ile239Val) results in a conservative amino acid change located in the Translational (tr)-type GTP-binding domain of the encoded protein sequence. Five of five in-silico tools predict a benign effect of the variant on protein function. The variant allele was found at a frequency of 3.6e-05 in 250590 control chromosomes. The available data on variant occurrences in the general population are insufficient to allow any conclusion about variant significance. To our knowledge, no occurrence of c.715A>G in individuals affected with Early Infantile Epileptic Encephalopathy, Autosomal Recessive and no experimental evidence demonstrating its impact on protein function have been reported. One submitter has cited clinical-significance assessments for this variant to ClinVar after 2014 and has classified the variant as uncertain significance. Based on the evidence outlined above, the variant was classified as uncertain significance.